The following continues an entry in ClinVar:

NM_003902.5(FUBP1):c.1042-8C>G

Gene: FUBP1. ClinVar aggregate classification (germline): Benign. Benign (2).

Submissions 33 to 46 of 46:

Dr. Peter K. Rogan Lab, Western University
No classification provided (evidence only). Condition: Hepatocellular carcinoma. Review status: no classification provided. Collection method: in vitro. Allele origin: not applicable. Functional consequence: retained intron. Not counted in ClinVar's aggregate classification.

Dr. Peter K. Rogan Lab, Western University
No classification provided (evidence only). Condition: Hepatocellular carcinoma. Review status: no classification provided. Collection method: in vitro. Allele origin: not applicable. Functional consequence: retained intron. Not counted in ClinVar's aggregate classification.

Dr. Peter K. Rogan Lab, Western University
No classification provided (evidence only). Condition: Hepatocellular carcinoma. Review status: no classification provided. Collection method: in vitro. Allele origin: not applicable. Functional consequence: retained intron. Not counted in ClinVar's aggregate classification.

Dr. Peter K. Rogan Lab, Western University
No classification provided (evidence only). Condition: Ovarian cancer. Review status: no classification provided. Collection method: in vitro. Allele origin: not applicable. Functional consequence: retained intron. Not counted in ClinVar's aggregate classification.

Dr. Peter K. Rogan Lab, Western University
No classification provided (evidence only). Condition: Ovarian cancer. Review status: no classification provided. Collection method: in vitro. Allele origin: not applicable. Functional consequence: retained intron. Not counted in ClinVar's aggregate classification.

Dr. Peter K. Rogan Lab, Western University
No classification provided (evidence only). Condition: Ovarian cancer. Review status: no classification provided. Collection method: in vitro. Allele origin: not applicable. Functional consequence: retained intron. Not counted in ClinVar's aggregate classification.

Dr. Peter K. Rogan Lab, Western University
No classification provided (evidence only). Condition: Ovarian cancer. Review status: no classification provided. Collection method: in vitro. Allele origin: not applicable. Functional consequence: retained intron. Not counted in ClinVar's aggregate classification.

Dr. Peter K. Rogan Lab, Western University
No classification provided (evidence only). Condition: Ovarian cancer. Review status: no classification provided. Collection method: in vitro. Allele origin: not applicable. Functional consequence: retained intron. Not counted in ClinVar's aggregate classification.

Dr. Peter K. Rogan Lab, Western University
No classification provided (evidence only). Condition: Ovarian cancer. Review status: no classification provided. Collection method: in vitro. Allele origin: not applicable. Functional consequence: retained intron. Not counted in ClinVar's aggregate classification.

Dr. Peter K. Rogan Lab, Western University
No classification provided (evidence only). Condition: Ovarian cancer. Review status: no classification provided. Collection method: in vitro. Allele origin: not applicable. Functional consequence: retained intron. Not counted in ClinVar's aggregate classification.

Dr. Peter K. Rogan Lab, Western University
No classification provided (evidence only). Condition: Ovarian cancer. Review status: no classification provided. Collection method: in vitro. Allele origin: not applicable. Functional consequence: retained intron. Not counted in ClinVar's aggregate classification.

Dr. Peter K. Rogan Lab, Western University
No classification provided (evidence only). Condition: Acute myeloid leukemia. Review status: no classification provided. Collection method: in vitro. Allele origin: not applicable. Functional consequence: retained intron. Not counted in ClinVar's aggregate classification.

Dr. Peter K. Rogan Lab, Western University
No classification provided (evidence only). Condition: Acute myeloid leukemia. Review status: no classification provided. Collection method: in vitro. Allele origin: not applicable. Functional consequence: retained intron. Not counted in ClinVar's aggregate classification.

Dr. Peter K. Rogan Lab, Western University
No classification provided (evidence only). Condition: Acute myeloid leukemia. Review status: no classification provided. Collection method: in vitro. Allele origin: not applicable. Functional consequence: retained intron. Not counted in ClinVar's aggregate classification.